The following is an entry in ClinVar:

ClinVar aggregate classification (germline): Pathogenic/Likely pathogenic. Review status: criteria provided, multiple submitters, no conflicts (2 of 4 stars). 2 submissions from 2 submitters: Pathogenic (1); Likely pathogenic (1). Last evaluated 2022-02-20.

Submissions (2):

Labcorp Genetics (formerly Invitae), Labcorp
Classification: Pathogenic. Last evaluated: 2022-02-20. Review status: criteria provided, single submitter. Criteria: Invitae Variant Classification Sherloc (09022015). Collection method: clinical testing. Allele origin: germline.
Comment: ClinVar contains an entry for this variant (Variation ID: 871572). For these reasons, this variant has been classified as Pathogenic. This premature translational stop signal has been observed in individual(s) with intellectual disability syndrome (PMID: 33144681). This variant is not present in population databases (gnomAD no frequency). This sequence change creates a premature translational stop signal (p.Gln232*) in the NEXMIF gene. It is expected to result in an absent or disrupted protein product. Loss-of-function variants in NEXMIF are known to be pathogenic (PMID: 23615299).

CeGaT Center for Human Genetics Tuebingen
Classification: Likely pathogenic. Last evaluated: 2019-11-01. Review status: criteria provided, single submitter. Criteria: CeGaT Center For Human Genetics Tuebingen Variant Classification Criteria Version 2. Collection method: clinical testing. Allele origin: germline. Affected: yes. Observed: 1 variant allele.

Literature cited by the submitters: PubMed 33144681 (cited by Labcorp Genetics (formerly Invitae), Labcorp); PubMed 23615299 (cited by Labcorp Genetics (formerly Invitae), Labcorp).

NM_001008537.3(NEXMIF):c.694C>T (p.Gln232Ter)

Gene: NEXMIF (neurite extension and migration factor; minus strand). Cytogenetic location: Xq13.3.
Variant type: single nucleotide variant.
Coding change: c.694C>T on transcript NM_001008537.3 (MANE Select); coding-DNA position 694, C replaced by T.
Protein change: p.Gln232Ter; replaces glutamine 232 with a stop codon.
Molecular consequence: nonsense.
Genome position (GRCh38, 1-based): chrX:74,743,863, G>A on the plus strand (C>T on the coding strand, the complement: NEXMIF is on the minus strand). VCF-style: chrX-74743863-G-A. GRCh37 (hg19) VCF-style: chrX-73963698-G-A.
Other names: short protein forms Q232*.
Identifiers: ClinVar variation 871572 (VCV000871572.45), dbSNP rs2080116822, ClinGen allele CA413672754.